The following is an entry in ClinVar:

NM_182925.5(FLT4):c.3247C>T (p.Pro1083Ser)

Gene: FLT4 (fms related receptor tyrosine kinase 4; minus strand). Cytogenetic location: 5q35.3.
Variant type: single nucleotide variant.
Coding change: c.3247C>T on transcript NM_182925.5 (MANE Select); coding-DNA position 3247, C replaced by T.
Protein change: p.Pro1083Ser; replaces proline 1083 with serine.
Molecular consequence: missense variant.
Genome position (GRCh38, 1-based): chr5:180,614,152, G>A on the plus strand (C>T on the coding strand, the complement: FLT4 is on the minus strand). VCF-style: chr5-180614152-G-A. GRCh37 (hg19) VCF-style: chr5-180041152-G-A.
Other names: c.3247C>T, p.Pro1083Ser (NM_001354989.2, NM_002020.5); short protein forms P1083S.
Identifiers: ClinVar variation 930398 (VCV000930398.3), dbSNP rs1762428823, ClinGen allele CA362500302.
Genomic context (GRCh38, chr5:180,614,152, plus strand): 5'-GCACCCCAAAGGACCACACGTCACTCTGCGTGGTGTACACCTTGTCGAAGATGCTTTCAG[G>A]GGCCATCCACTTCAGGGGCAGCCGGGCCTGGGGAGACAGAGGGAAGCTTGTCCCGTGGTG-3'
Protein context (NP_891555.2, residues 1073-1093): SARLPLKWMA[Pro1083Ser]ESIFDKVYTT

ClinVar aggregate classification (germline): Uncertain significance (1 of 4 stars; one submission).

Conditions:
Hereditary lymphedema type I (LMPHM1). Also called: Milroy Disease; LYMPHATIC MALFORMATION 1; Nonne-Milroy disease; Congenital hereditary lymphedema; Early onset lymphedema; Hereditary lymphedema 1. Identifiers: Orphanet 79452, MedGen C1704423, MONDO:0007919, OMIM 153100.

Submission:

Centre for Mendelian Genomics, University Medical Centre Ljubljana
Classification: Uncertain significance for Hereditary lymphedema type I. Last evaluated: 2019-02-19. Review status: criteria provided, single submitter. Criteria: ACMG Guidelines, 2015. Collection method: clinical testing. Allele origin: unknown. Affected: yes.
Comment: This variant was classified as: Uncertain significance. The available evidence favors the pathogenic nature of this variant, however the currently available data is insufficient to conclusively support its pathogenic nature. Thus this variant is classified as Uncertain significance - favor pathogenic. The following ACMG criteria were applied in classifying this variant: PM1,PM2,PP3.